The following is an entry in ClinVar:

NM_003000.3(SDHB):c.500A>C (p.Lys167Thr)

Gene: SDHB (succinate dehydrogenase complex iron sulfur subunit B; minus strand). Cytogenetic location: 1p36.13.
Variant type: single nucleotide variant.
Coding change: c.500A>C on transcript NM_003000.3 (MANE Select); coding-DNA position 500, A replaced by C.
Protein change: p.Lys167Thr; replaces lysine 167 with threonine.
Molecular consequence: missense variant.
Genome position (GRCh38, 1-based): chr1:17,027,789, T>G on the plus strand (A>C on the coding strand, the complement: SDHB is on the minus strand). VCF-style: chr1-17027789-T-G. GRCh37 (hg19) VCF-style: chr1-17354284-T-G.
Other names: c.446A>C, p.Lys149Thr (NM_001407361.1); short protein forms K167T, K149T.
Identifiers: ClinVar variation 3438761 (VCV003438761.1).

ClinVar aggregate classification (germline): Uncertain significance (1 of 4 stars; one submission).

Conditions:
Hereditary cancer-predisposing syndrome. Also called: Tumor predisposition; Neoplastic Syndromes, Hereditary; Hereditary neoplastic syndrome; Hereditary Cancer Syndrome. Identifiers: Orphanet 140162, MedGen C0027672, MeSH D009386, MONDO:0015356.

gnomAD v4.1: 1 of 1,612,962 alleles (0.000062%); highest among the groups gnomAD compares: Admixed American, 0.0017%; no homozygotes.

Submission:

Ambry Genetics
Classification: Uncertain significance for Hereditary cancer-predisposing syndrome. Last evaluated: 2024-09-01. Review status: criteria provided, single submitter. Criteria: Ambry Variant Classification Scheme 2023. Collection method: clinical testing. Allele origin: germline.
Comment: The p.K167T variant (also known as c.500A>C), located in coding exon 5 of the SDHB gene, results from an A to C substitution at nucleotide position 500. The lysine at codon 167 is replaced by threonine, an amino acid with similar properties. This amino acid position is conserved. In addition, the in silico prediction for this alteration is inconclusive. Based on the available evidence, the clinical significance of this variant remains unclear.